The following is an entry in ClinVar:

NM_058216.3(RAD51C):c.161A>C (p.Lys54Thr)

Gene: RAD51C (RAD51 paralog C; plus strand). Cytogenetic location: 17q22.
Variant type: single nucleotide variant.
Coding change: c.161A>C on transcript NM_058216.3 (MANE Select); coding-DNA position 161, A replaced by C.
Protein change: p.Lys54Thr; replaces lysine 54 with threonine.
Molecular consequence: missense variant. On other transcripts: non-coding transcript variant (2).
Genome position (GRCh38, 1-based): chr17:58,694,946, A>C. VCF-style: chr17-58694946-A-C. GRCh37 (hg19) VCF-style: chr17-56772307-A-C.
Other names: c.161A>C, p.Lys54Thr (NM_002876.4); short protein forms K54T.
Identifiers: ClinVar variation 142192 (VCV000142192.21), dbSNP rs587782296, ClinGen allele CA167723.
Genomic context (GRCh38, chr17:58,694,946, plus strand): 5'-TAAATCTCTAAAATTAGGGTTCTTTTTTTCTTATTTTACTTTCAGAAGTTGGGATATCTA[A>C]AGCAGAAGCCTTAGAAACTCTGCAAATTATCAGAAGAGAATGTCTCACAAATAAACCAAG-3'
Protein context (NP_478123.1, residues 44-64): SELSKEVGIS[Lys54Thr]AEALETLQII

ClinVar aggregate classification (germline): Conflicting classifications of pathogenicity. Review status: criteria provided, conflicting classifications (1 of 4 stars). 3 submissions from 3 submitters: Uncertain significance (2); Benign (1). Last evaluated 2025-10-08.

Conditions:
Hereditary cancer-predisposing syndrome. Also called: Neoplastic Syndromes, Hereditary; Hereditary Cancer Syndrome; Hereditary neoplastic syndrome; Tumor predisposition. Identifiers: Orphanet 140162, MedGen C0027672, MeSH D009386, MONDO:0015356.
Fanconi anemia complementation group O. Also called: RAD51C-Related Fanconi Anemia. Identifiers: Orphanet 84, MedGen C3150653, MONDO:0013248, OMIM 613390.

Allele frequency attached by ClinVar (database versions not stated): TOPMed below 0.00001; gnomAD 0.00001.

Submissions (3):

Ambry Genetics
Classification: Benign for Hereditary cancer-predisposing syndrome. Last evaluated: 2025-10-08. Review status: criteria provided, single submitter. Criteria: Ambry Variant Classification Scheme 2023. Collection method: clinical testing. Allele origin: germline.

Labcorp Genetics (formerly Invitae), Labcorp
Classification: Uncertain significance for Fanconi anemia complementation group O. Last evaluated: 2025-08-18. Review status: criteria provided, single submitter. Criteria: Invitae Variant Classification Sherloc (09022015). Collection method: clinical testing. Allele origin: germline.
Comment: This sequence change replaces lysine, which is basic and polar, with threonine, which is neutral and polar, at codon 54 of the RAD51C protein (p.Lys54Thr). This variant is not present in population databases (gnomAD no frequency). This variant has not been reported in the literature in individuals affected with RAD51C-related conditions. ClinVar contains an entry for this variant (Variation ID: 142192). Invitae Evidence Modeling of protein sequence and biophysical properties (such as structural, functional, and spatial information, amino acid conservation, physicochemical variation, residue mobility, and thermodynamic stability) indicates that this missense variant is not expected to disrupt RAD51C protein function with a negative predictive value of 80%. In summary, the available evidence is currently insufficient to determine the role of this variant in disease. Therefore, it has been classified as a Variant of Uncertain Significance.

Color Diagnostics, LLC DBA Color Health
Classification: Uncertain significance for Hereditary cancer-predisposing syndrome. Last evaluated: 2019-10-24. Review status: criteria provided, single submitter. Criteria: ACMG Guidelines, 2015. Collection method: clinical testing. Allele origin: germline.
Comment: This missense variant replaces lysine with threonine at codon 54 of the RAD51C protein. Computational prediction suggests that this variant may not impact protein structure and function (internally defined REVEL score threshold <= 0.5, PMID: 27666373). Splice site prediction tools suggest that this variant may not impact RNA splicing. To our knowledge, functional studies have not been performed for this variant. This variant has not been reported in individuals affected with hereditary cancer in the literature. This variant has not been identified in the general population by the Genome Aggregation Database (gnomAD). The available evidence is insufficient to determine the role of this variant in disease conclusively. Therefore, this variant is classified as a Variant of Uncertain Significance.